The following is an entry in ClinVar:

ClinVar aggregate classification (germline): Uncertain significance. Review status: criteria provided, multiple submitters, no conflicts (2 of 4 stars). 2 submissions from 2 submitters: Uncertain significance (2). Last evaluated 2021-08-16.

Conditions:
Inborn genetic diseases. Identifiers: MedGen C0950123, MeSH D030342.

Allele frequency attached by ClinVar (database versions not stated): gnomAD 0.00001 and 0.00002; TOPMed 0.00002; gnomAD exomes 0.00003.
gnomAD v4.1: 43 of 1,614,078 alleles (0.0027%); highest among the groups gnomAD compares: Non-Finnish European, 0.0034%; no homozygotes.

Submissions (2):

Ambry Genetics
Classification: Uncertain significance for Inborn genetic diseases. Last evaluated: 2021-08-16. Review status: criteria provided, single submitter. Criteria: Ambry Variant Classification Scheme 2023. Collection method: clinical testing. Allele origin: germline.
Comment: The p.P700T variant (also known as c.2098C>A), located in coding exon 15 of the FGD4 gene, results from a C to A substitution at nucleotide position 2098. The proline at codon 700 is replaced by threonine, an amino acid with highly similar properties. This amino acid position is conserved. In addition, this alteration is predicted to be tolerated by in silico analysis. Since supporting evidence is limited at this time, the clinical significance of this alteration remains unclear.

Athena Diagnostics
Classification: Uncertain significance. Last evaluated: 2020-01-08. Review status: criteria provided, single submitter. Criteria: Athena Diagnostics Criteria. Collection method: clinical testing. Allele origin: unknown.

NM_001370298.3(FGD4):c.2509C>A (p.Pro837Thr)

Gene: FGD4 (FYVE, RhoGEF and PH domain containing 4; plus strand). Cytogenetic location: 12p11.21.
Variant type: single nucleotide variant.
Coding change: c.2509C>A on transcript NM_001370298.3 (MANE Select); coding-DNA position 2509, C replaced by A.
Protein change: p.Pro837Thr; replaces proline 837 with threonine.
Molecular consequence: missense variant.
Genome position (GRCh38, 1-based): chr12:32,640,330, C>A. VCF-style: chr12-32640330-C-A. GRCh37 (hg19) VCF-style: chr12-32793264-C-A.
Other names: c.2353C>A, p.Pro785Thr (NM_001304481.2); c.1066C>A, p.Pro356Thr (NM_001304484.2); c.1819C>A, p.Pro607Thr (NM_001330373.2, NM_001330374.2, NM_001384130.1); c.1546C>A, p.Pro516Thr (NM_001370297.1); c.2509C>A, p.Pro837Thr (NM_001384126.1); c.2098C>A, p.Pro700Thr (NM_001384127.1, NM_001384128.1, NM_001385118.1 and 1 more transcripts); short protein forms P356T, P516T, P607T, P700T, P785T, P837T.
Identifiers: ClinVar variation 995366 (VCV000995366.3), dbSNP rs756057996, ClinGen allele CA235247869.